The following is an entry in ClinVar:

NM_015294.6(TRIM37):c.343C>T (p.His115Tyr)

Gene: TRIM37 (tripartite motif containing 37; minus strand). Cytogenetic location: 17q22.
Variant type: single nucleotide variant.
Coding change: c.343C>T on transcript NM_015294.6 (MANE Select); coding-DNA position 343, C replaced by T.
Protein change: p.His115Tyr; replaces histidine 115 with tyrosine.
Molecular consequence: missense variant. On other transcripts: 5 prime UTR variant (2), non-coding transcript variant (2), intron variant (1).
Genome position (GRCh38, 1-based): chr17:59,084,028, G>A on the plus strand (C>T on the coding strand, the complement: TRIM37 is on the minus strand). VCF-style: chr17-59084028-G-A. GRCh37 (hg19) VCF-style: chr17-57161389-G-A.
Other names: c.343C>T, p.His115Tyr (NM_001005207.5, NM_001320988.3, NM_001320989.3 and 2 more transcripts); c.241C>T, p.His81Tyr (NM_001320987.3, NM_001353082.2); c.-24C>T (NM_001320990.3); c.-410C>T (NM_001353083.2); c.-93-2809C>T (NM_001353085.2); short protein forms H81Y, H115Y.
Identifiers: ClinVar variation 1992888 (VCV001992888.4), dbSNP rs2546148994, ClinGen allele CA400393110.
Genomic context (GRCh38, chr17:59,084,028, plus strand): 5'-AACTTAAAAAAAATACTGAATTTGTTCTGCTCACCATTCCTCCCCAAAGTGCACACTGAT[G>A]GCAGATACACTTCTTACAAGTCCAGCAAAATACACTAAGTTTTTCATGGTGATTTTCACA-3'
Protein context (NP_056109.1, residues 105-125): FCWTCKKCIC[His115Tyr]QCALWGGMHG

ClinVar aggregate classification (germline): Uncertain significance (1 of 4 stars; one submission).

Submission:

Labcorp Genetics (formerly Invitae), Labcorp
Classification: Uncertain significance. Last evaluated: 2024-10-17. Review status: criteria provided, single submitter. Criteria: Invitae Variant Classification Sherloc (09022015). Collection method: clinical testing. Allele origin: germline.
Comment: This sequence change replaces histidine, which is basic and polar, with tyrosine, which is neutral and polar, at codon 115 of the TRIM37 protein (p.His115Tyr). This variant is not present in population databases (gnomAD no frequency). This variant has not been reported in the literature in individuals affected with TRIM37-related conditions. ClinVar contains an entry for this variant (Variation ID: 1992888). Invitae Evidence Modeling of protein sequence and biophysical properties (such as structural, functional, and spatial information, amino acid conservation, physicochemical variation, residue mobility, and thermodynamic stability) indicates that this missense variant is expected to disrupt TRIM37 protein function with a positive predictive value of 80%. Algorithms developed to predict the effect of sequence changes on RNA splicing suggest that this variant may disrupt the consensus splice site. In summary, the available evidence is currently insufficient to determine the role of this variant in disease. Therefore, it has been classified as a Variant of Uncertain Significance.